The following is an entry in ClinVar:

ClinVar aggregate classification (germline): Uncertain significance (1 of 4 stars; one submission).

gnomAD v4.1: 6 of 1,614,196 alleles (0.00037%); highest among the groups gnomAD compares: Non-Finnish European, 0.00042%; no homozygotes.

Submission:

Labcorp Genetics (formerly Invitae), Labcorp
Classification: Uncertain significance. Last evaluated: 2026-01-26. Review status: criteria provided, single submitter. Criteria: Invitae Variant Classification Sherloc (09022015). Collection method: clinical testing. Allele origin: germline.
Comment: This sequence change replaces valine, which is neutral and non-polar, with methionine, which is neutral and non-polar, at codon 221 of the HTRA1 protein (p.Val221Met). This variant is not present in population databases (gnomAD no frequency). This variant has not been reported in the literature in individuals affected with HTRA1-related conditions. Invitae Evidence Modeling of protein sequence and biophysical properties (such as structural, functional, and spatial information, amino acid conservation, physicochemical variation, residue mobility, and thermodynamic stability) indicates that this missense variant is expected to disrupt HTRA1 protein function with a positive predictive value of 95%. Experimental studies have shown that this missense change affects HTRA1 function (PMID: 34626176). In summary, the available evidence is currently insufficient to determine the role of this variant in disease. Therefore, it has been classified as a Variant of Uncertain Significance.

Literature cited by the submitters: PubMed 34626176.

NM_002775.5(HTRA1):c.661G>A (p.Val221Met)

Gene: HTRA1 (HtrA serine peptidase 1; plus strand). Cytogenetic location: 10q26.13.
Variant type: single nucleotide variant.
Coding change: c.661G>A on transcript NM_002775.5 (MANE Select); coding-DNA position 661, G replaced by A.
Protein change: p.Val221Met; replaces valine 221 with methionine.
Molecular consequence: missense variant.
Genome position (GRCh38, 1-based): chr10:122,489,510, G>A. VCF-style: chr10-122489510-G-A. GRCh37 (hg19) VCF-style: chr10-124249026-G-A.
Other names: short protein forms V221M.
Identifiers: ClinVar variation 4798009 (VCV004798009.1).